The following is an entry in ClinVar:

NM_198253.3(TERT):c.2044G>A (p.Gly682Ser)

Gene: TERT (telomerase reverse transcriptase; minus strand). Cytogenetic location: 5p15.33.
Variant type: single nucleotide variant.
Coding change: c.2044G>A on transcript NM_198253.3 (MANE Select); coding-DNA position 2044, G replaced by A.
Protein change: p.Gly682Ser; replaces glycine 682 with serine.
Molecular consequence: missense variant. On other transcripts: non-coding transcript variant (2).
Genome position (GRCh38, 1-based): chr5:1,279,377, C>T on the plus strand (G>A on the coding strand, the complement: TERT is on the minus strand). VCF-style: chr5-1279377-C-T. GRCh37 (hg19) VCF-style: chr5-1279492-C-T.
Other names: c.2044G>A, p.Gly682Ser (NM_001193376.3); short protein forms G682S.
Identifiers: ClinVar variation 4827641 (VCV004827641.1).

ClinVar aggregate classification (germline): Uncertain significance (1 of 4 stars; one submission).

Conditions:
Dyskeratosis congenita. Identifiers: Orphanet 1775, MedGen C0265965, MONDO:0015780.

Submission:

Ambry Genetics
Classification: Uncertain significance for Dyskeratosis congenita. Last evaluated: 2026-02-23. Review status: criteria provided, single submitter. Criteria: Ambry Variant Classification Scheme 2023. Collection method: clinical testing. Allele origin: germline.
Comment: The p.G682S variant (also known as c.2044G>A), located in coding exon 5 of the TERT gene, results from a G to A substitution at nucleotide position 2044. The glycine at codon 682 is replaced by serine, an amino acid with similar properties. This amino acid position is conserved. In addition, this alteration is predicted to be deleterious by in silico analysis. Based on the available evidence, the clinical significance of this variant remains unclear.